The following is an entry in ClinVar:

NM_002473.6(MYH9):c.5717C>T (p.Thr1906Met)

Gene: MYH9 (myosin heavy chain 9; minus strand). Cytogenetic location: 22q12.3.
Variant type: single nucleotide variant.
Coding change: c.5717C>T on transcript NM_002473.6 (MANE Select); coding-DNA position 5717, C replaced by T.
Protein change: p.Thr1906Met; replaces threonine 1906 with methionine.
Molecular consequence: missense variant.
Genome position (GRCh38, 1-based): chr22:36,284,141, G>A on the plus strand (C>T on the coding strand, the complement: MYH9 is on the minus strand). VCF-style: chr22-36284141-G-A. GRCh37 (hg19) VCF-style: chr22-36680187-G-A.
Other names: c.5717C>T (NM_002473.5); short protein forms T1906M.
Identifiers: ClinVar variation 341492 (VCV000341492.9), dbSNP rs149663189, ClinGen allele CA10208952.
Genomic context (GRCh38, chr22:36,284,141, plus strand): 5'-AGGGCGGCTCACCTGAGCTTGTTCTTTAGGGAGCTGACTTCGCGGTTCATGGCATCGGCC[G>A]TCTCAGTGGCGTCCTCCAGCTCGCGCTGCAGTTTCCGGCGGGAGGCGTTGGCCCGCTGGG-3'
Protein context (NP_002464.1, residues 1896-1916): LQRELEDATE[Thr1906Met]ADAMNREVSS

ClinVar aggregate classification (germline): Conflicting classifications of pathogenicity. Review status: criteria provided, conflicting classifications (1 of 4 stars). 4 submissions from 3 submitters: Uncertain significance (2); Benign (1); Likely benign (1). Last evaluated 2026-06-15.

Conditions:
MYH9-related disorder. Identifiers: MedGen C1854520.
Autosomal dominant nonsyndromic hearing loss 17. Also called: Deafness, autosomal dominant 17; Autosomal dominant nonsyndromic deafness 17. Identifiers: Orphanet 90635, MedGen C1863659, MONDO:0011350, OMIM 603622.

Allele frequency attached by ClinVar (database versions not stated): ExAC 0.00002; gnomAD exomes 0.00002 and 0.00003; gnomAD 0.00005; TOPMed 0.00005; ESP Exome Variant Server 0.00015.
gnomAD v4.1: 33 of 1,614,078 alleles (0.002%); highest among the groups gnomAD compares: Admixed American, 0.005%; no homozygotes.

Submissions (4):

PreventionGenetics, part of Exact Sciences
Classification: Uncertain significance for MYH9-related condition. Last evaluated: 2026-06-15. Review status: criteria provided, single submitter. Criteria: ACMG Guidelines, 2015. Collection method: clinical testing. Allele origin: germline.
Comment: The MYH9 c.5717C>T variant is predicted to result in the amino acid substitution p.Thr1906Met. To our knowledge, this variant has not been reported in the literature. This variant is reported in 0.0058% of alleles in individuals of Latino descent in gnomAD. At this time, the clinical significance of this variant is uncertain due to the absence of conclusive functional and genetic evidence.

Labcorp Genetics (formerly Invitae), Labcorp
Classification: Likely benign. Last evaluated: 2025-10-14. Review status: criteria provided, single submitter. Criteria: Invitae Variant Classification Sherloc (09022015). Collection method: clinical testing. Allele origin: germline.

Illumina Laboratory Services, Illumina
Classification: Uncertain significance for Autosomal dominant nonsyndromic hearing loss 17. Last evaluated: 2018-01-12. Review status: criteria provided, single submitter. Criteria: ICSL Variant Classification Criteria 13 December 2019. Collection method: clinical testing. Allele origin: germline.

Illumina Laboratory Services, Illumina
Classification: Benign for MYH9-related disorder. Last evaluated: 2018-01-12. Review status: criteria provided, single submitter. Criteria: ICSL Variant Classification Criteria 13 December 2019. Collection method: clinical testing. Allele origin: germline.
Comment: This variant was observed in the ICSL laboratory as part of a predisposition screen in an ostensibly healthy population. It had not been previously curated by ICSL or reported in the Human Gene Mutation Database (HGMD: prior to June 1st, 2018), and was therefore a candidate for classification through an automated scoring system. Utilizing variant allele frequency, disease prevalence and penetrance estimates, and inheritance mode, an automated score was calculated to assess if this variant is too frequent to cause the disease. Based on the score and internal cut-off values, a variant classified as benign is not then subjected to further curation. The score for this variant resulted in a classification of benign for this disease.